The following is an entry in ClinVar:

ClinVar aggregate classification (germline): Uncertain significance. Review status: criteria provided, multiple submitters, no conflicts (2 of 4 stars). 2 submissions from 2 submitters: Uncertain significance (2). Last evaluated 2025-08-31.

Conditions:
Inborn genetic diseases. Identifiers: MedGen C0950123, MeSH D030342.

Allele frequency attached by ClinVar (database versions not stated): gnomAD 0.00002; gnomAD exomes 0.00001; ExAC 0.00001.
gnomAD v4.1: 18 of 1,613,856 alleles (0.0011%); highest among the groups gnomAD compares: Non-Finnish European, 0.0014%; no homozygotes.

Submissions (2):

Labcorp Genetics (formerly Invitae), Labcorp
Classification: Uncertain significance. Last evaluated: 2025-08-31. Review status: criteria provided, single submitter. Criteria: Invitae Variant Classification Sherloc (09022015). Collection method: clinical testing. Allele origin: germline.
Comment: This sequence change replaces isoleucine, which is neutral and non-polar, with asparagine, which is neutral and polar, at codon 2883 of the SPEG protein (p.Ile2883Asn). This variant is present in population databases (rs778977301, gnomAD 0.007%). This variant has not been reported in the literature in individuals affected with SPEG-related conditions. ClinVar contains an entry for this variant (Variation ID: 2984084). An algorithm developed to predict the effect of missense changes on protein structure and function (PolyPhen-2) suggests that this variant is likely to be tolerated. In summary, the available evidence is currently insufficient to determine the role of this variant in disease. Therefore, it has been classified as a Variant of Uncertain Significance.

Ambry Genetics
Classification: Uncertain significance for Inborn genetic diseases. Last evaluated: 2025-02-12. Review status: criteria provided, single submitter. Criteria: Ambry Variant Classification Scheme 2023. Collection method: clinical testing. Allele origin: germline.

NM_005876.5(SPEG):c.8648T>A (p.Ile2883Asn)

Genes: ASIC4-AS1 (ASIC4 antisense RNA 1; minus strand), SPEG (striated muscle enriched protein kinase; plus strand). Cytogenetic location: 2q35.
Variant type: single nucleotide variant.
Coding change: c.8648T>A on transcript NM_005876.5 (MANE Select); coding-DNA position 8648, T replaced by A.
Protein change: p.Ile2883Asn; replaces isoleucine 2883 with asparagine.
Molecular consequence: missense variant.
Genome position (GRCh38, 1-based): chr2:219,489,666, T>A. VCF-style: chr2-219489666-T-A. GRCh37 (hg19) VCF-style: chr2-220354388-T-A.
Other names: c.8648T>A (NM_005876.4); short protein forms I2883N.
Identifiers: ClinVar variation 2984084 (VCV002984084.4), dbSNP rs778977301, ClinGen allele CA2127542.